The following is an entry in ClinVar:

ClinVar aggregate classification (germline): Uncertain significance (1 of 4 stars; one submission).

Submission:

GeneDx
Classification: Uncertain significance. Last evaluated: 2024-11-19. Review status: criteria provided, single submitter. Criteria: GeneDx Variant Classification Process June 2021. Collection method: clinical testing. Allele origin: germline. Affected: yes.
Comment: Not observed at significant frequency in large population cohorts (gnomAD); In silico analysis indicates that this missense variant does not alter protein structure/function; Has not been previously published as pathogenic or benign to our knowledge; This variant is associated with the following publications: (PMID: 28545555)

NM_152703.5(SAMD9L):c.2656T>C (p.Phe886Leu)

Gene: SAMD9L (sterile alpha motif domain containing 9 like; minus strand). Cytogenetic location: 7q21.2.
Variant type: single nucleotide variant.
Coding change: c.2656T>C on transcript NM_152703.5 (MANE Select); coding-DNA position 2656, T replaced by C.
Protein change: p.Phe886Leu; replaces phenylalanine 886 with leucine.
Molecular consequence: missense variant.
Genome position (GRCh38, 1-based): chr7:93,133,316, A>G on the plus strand (T>C on the coding strand, the complement: SAMD9L is on the minus strand). VCF-style: chr7-93133316-A-G. GRCh37 (hg19) VCF-style: chr7-92762629-A-G.
Other names: c.2656T>C, p.Phe886Leu (NM_001303496.3, NM_001303497.3, NM_001303498.3 and 5 more transcripts); short protein forms F886L.
Identifiers: ClinVar variation 3899532 (VCV003899532.1).